The following is an entry in ClinVar:

ClinVar aggregate classification (germline): Uncertain significance (1 of 4 stars; one submission).

Submission:

GeneDx
Classification: Uncertain significance. Last evaluated: 2024-03-11. Review status: criteria provided, single submitter. Criteria: GeneDx Variant Classification Process June 2021. Collection method: clinical testing. Allele origin: germline. Affected: yes.
Comment: Not observed at significant frequency in large population cohorts (gnomAD); In silico analysis supports that this missense variant has a deleterious effect on protein structure/function; Has not been previously published as pathogenic or benign to our knowledge

NM_020795.4(NLGN2):c.1695C>G (p.Phe565Leu)

Gene: NLGN2 (neuroligin 2; plus strand). Cytogenetic location: 17p13.1.
Variant type: single nucleotide variant.
Coding change: c.1695C>G on transcript NM_020795.4 (MANE Select); coding-DNA position 1695, C replaced by G.
Protein change: p.Phe565Leu; replaces phenylalanine 565 with leucine.
Molecular consequence: missense variant.
Genome position (GRCh38, 1-based): chr17:7,416,986, C>G. VCF-style: chr17-7416986-C-G. GRCh37 (hg19) VCF-style: chr17-7320305-C-G.
Other names: short protein forms F565L.
Identifiers: ClinVar variation 3370591 (VCV003370591.1).
Genomic context (GRCh38, chr17:7,416,986, plus strand): 5'-GGACCCCAACCAGCCGGTGCCGCAGGATACCAAGTTCATCCACACCAAGCCCAATCGCTT[C>G]GAGGAGGTGGTGTGGAGCAAATTCAACAGCAAGGAGAAGCAGTATCTGCACATAGGCCTG-3'
Protein context (NP_065846.1, residues 555-575): TKFIHTKPNR[Phe565Leu]EEVVWSKFNS